The following is an entry in ClinVar:

ClinVar aggregate classification (germline): Uncertain significance. Review status: criteria provided, multiple submitters, no conflicts (2 of 4 stars). 3 submissions from 3 submitters: Uncertain significance (3). Last evaluated 2025-01-12.

Conditions:
Cardiomyopathy (CMYO). Also called: Cardiomyopathies. Identifiers: Orphanet 167848, MedGen C0878544, MONDO:0004994, HP:0001638. Inheritance: Various modes of inheritance.
Hypertrophic cardiomyopathy. Also called: HYPERTROPHIC MYOCARDIOPATHY. Identifiers: Orphanet 217569, MedGen C0007194, MeSH D002312, MONDO:0005045, HP:0001639.

Allele frequency attached by ClinVar (database versions not stated): gnomAD exomes below 0.00001.

Submissions (3):

Labcorp Genetics (formerly Invitae), Labcorp
Classification: Uncertain significance for Hypertrophic cardiomyopathy. Last evaluated: 2025-01-12. Review status: criteria provided, single submitter. Criteria: Invitae Variant Classification Sherloc (09022015). Collection method: clinical testing. Allele origin: germline.
Comment: This sequence change replaces methionine, which is neutral and non-polar, with lysine, which is basic and polar, at codon 1248 of the MYH7 protein (p.Met1248Lys). This variant is not present in population databases (gnomAD no frequency). This missense change has been observed in individual(s) with hypertrophic cardiomyopathy (PMID: 32815737, 37652022). ClinVar contains an entry for this variant (Variation ID: 407169). Invitae Evidence Modeling of protein sequence and biophysical properties (such as structural, functional, and spatial information, amino acid conservation, physicochemical variation, residue mobility, and thermodynamic stability) has been performed for this missense variant. However, the output from this modeling did not meet the statistical confidence thresholds required to predict the impact of this variant on MYH7 protein function. In summary, the available evidence is currently insufficient to determine the role of this variant in disease. Therefore, it has been classified as a Variant of Uncertain Significance.

Color Diagnostics, LLC DBA Color Health
Classification: Uncertain significance for Cardiomyopathy. Last evaluated: 2024-03-11. Review status: criteria provided, single submitter. Criteria: ACMG Guidelines, 2015. Collection method: clinical testing. Allele origin: germline.
Comment: This missense variant replaces methionine with lysine at codon 1248 of the MYH7 protein. Computational prediction tools indicate that this variant has a neutral impact on protein structure and function. To our knowledge, functional studies have not been reported for this variant. This variant has been reported in one individual affected with hypertrophic cardiomyopathy (PMID: 32815737). This variant has been identified in 1/251330 chromosomes in the general population by the Genome Aggregation Database (gnomAD). The available evidence is insufficient to determine the role of this variant in disease conclusively. Therefore, this variant is classified as a Variant of Uncertain Significance.

GeneDx
Classification: Uncertain significance. Last evaluated: 2017-05-31. Review status: criteria provided, single submitter. Criteria: GeneDx Variant Classification (06012015). Collection method: clinical testing. Allele origin: germline. Affected: yes.
Comment: A variant of uncertain significance has been identified in the MYH7 gene. The M1248K variant has not been published as pathogenic or been reported as benign to our knowledge. However, it is classified as a variant of uncertain significance in ClinVar by a different clinical laboratory in association with HCM (ClinVar SCV000546191.1; Landrum et al., 2016). The M1248K variant is also not observed in large population cohorts (Lek et al., 2016; 1000 Genomes Consortium et al., 2015; Exome Variant Server). Additionally, M1248K is a non-conservative amino acid substitution, which is likely to impact secondary protein structure as these residues differ in polarity, charge, size and/or other properties. Furthermore, this substitution occurs at a position that is conserved in mammals and in silico analysis predicts this variant is probably damaging to the protein structure/function. Nevertheless, this variant has not been observed in a significant number of affected individuals and it lacks both segregation and functional studies which would further clarify its pathogenicity.

Literature cited by the submitters: PubMed 32815737 (cited by Labcorp Genetics (formerly Invitae), Labcorp and Color Diagnostics, LLC DBA Color Health); PubMed 37652022 (cited by Labcorp Genetics (formerly Invitae), Labcorp).

NM_000257.4(MYH7):c.3743T>A (p.Met1248Lys)

Gene: MYH7 (myosin heavy chain 7; minus strand). Cytogenetic location: 14q11.2.
Variant type: single nucleotide variant.
Coding change: c.3743T>A on transcript NM_000257.4 (MANE Select); coding-DNA position 3743, T replaced by A.
Protein change: p.Met1248Lys; replaces methionine 1248 with lysine.
Molecular consequence: missense variant.
Genome position (GRCh38, 1-based): chr14:23,419,593, A>T on the plus strand (T>A on the coding strand, the complement: MYH7 is on the minus strand). VCF-style: chr14-23419593-A-T. GRCh37 (hg19) VCF-style: chr14-23888802-A-T.
Other names: c.3743T>A (LRG_384t1); short protein forms M1248K.
Identifiers: ClinVar variation 407169 (VCV000407169.11), dbSNP rs1060501434, ClinGen allele CA16614479.